The following is an entry in ClinVar:

NM_000152.5(GAA):c.956_962del (p.Asp319fs)

Gene: GAA (alpha glucosidase; plus strand). Cytogenetic location: 17q25.3.
Variant type: Deletion.
Coding change: c.956_962del on transcript NM_000152.5 (MANE Select); coding-DNA positions 956 to 962, 7 bases deleted (ATGTGGT; older notation c.956_962delATGTGGT).
Protein change: p.Asp319fs; shifts the reading frame from aspartic acid 319.
Molecular consequence: frameshift variant.
Genome position (GRCh38, 1-based): chr17:80,108,290-80,108,296, ATGTGGT deleted. VCF-style (leftmost placement, unchanged base first): chr17-80108289-GATGTGGT-G. GRCh37 (hg19) VCF-style: chr17-78082088-GATGTGGT-G.
Other names: c.956_962del, p.Asp319fs (NM_001079803.3, NM_001079804.3, NM_001406741.1 and 1 more transcripts); short protein forms D319fs.
Identifiers: ClinVar variation 4876465 (VCV004876465.1).

ClinVar aggregate classification (germline): Pathogenic (1 of 4 stars; one submission).

Conditions:
Glycogen storage disease, type II (IOPD). Also called: Pompe Disease; CARDIOMEGALIA GLYCOGENICA DIFFUSA; GLYCOGENOSIS, GENERALIZED, CARDIAC FORM; GSD II; POMPE DISEASE, INFANTILE-ONSET; GLYCOGEN STORAGE DISEASE II, INFANTILE-ONSET. Identifiers: Orphanet 365, MedGen C0017921, MONDO:0009290, OMIM 232300.

Submission:

Genomenon, Inc
Classification: Pathogenic for Glycogen storage disease, type II. Last evaluated: 2026-07-01. Review status: criteria provided, single submitter. Criteria: Genomenon Sequence Variant Interpretation Standards - Updated. Collection method: curation. Allele origin: germline. Affected: yes.
Comment: GAA p.Asp319AlafsTer71 (c.956_962del) is a frameshift variant that is predicted to introduce a premature termination codon and result in a truncated or absent protein product. This variant has been observed in at least one proband with a GAA-related disorder (PMID:32248831). It is absent or not present at a significant frequency in gnomAD. In conclusion, we classify GAA p.Asp319AlafsTer71 (c.956_962del) as a pathogenic variant.

Literature cited by the submitters: PubMed 32248831.